The following is an entry in ClinVar:

ClinVar aggregate classification (germline): Pathogenic (1 of 4 stars; one submission).

Conditions:
Intellectual developmental disorder, autosomal recessive 65. Also called: MENTAL RETARDATION, AUTOSOMAL RECESSIVE 65; Intellectual disability, autosomal recessive 65. Identifiers: MedGen C4748219, MONDO:0020850, OMIM 618109.

Submission:

Variantyx, Inc.
Classification: Pathogenic for Intellectual developmental disorder, autosomal recessive 65. Last evaluated: 2025-11-06. Review status: criteria provided, single submitter. Criteria: Variantyx Assertion Criteria 2022. Collection method: clinical testing. Allele origin: germline. Inheritance: Autosomal recessive inheritance. Affected: yes.
Comment: This is a nonsense variant in the KDM5B gene (OMIM: 605393). Pathogenic variants in this gene have been associated with autosomal recessive intellectual developmental disorder 65. This variant introduces a premature termination codon in exon 26 out of 27 and is expected to result in loss of function, which is a known disease mechanism for KDM5B in this disorder (PVS1). This variant is absent from control populations (PM2). Based on the current evidence, this variant is classified as pathogenic for autosomal recessive intellectual developmental disorder 65.

Literature cited by the submitters: PubMed 30217758.

NM_006618.5(KDM5B):c.4422T>G (p.Tyr1474Ter)

Gene: KDM5B (lysine demethylase 5B; minus strand). Cytogenetic location: 1q32.1.
Variant type: single nucleotide variant.
Coding change: c.4422T>G on transcript NM_006618.5 (MANE Select); coding-DNA position 4422, T replaced by G.
Protein change: p.Tyr1474Ter; replaces tyrosine 1474 with a stop codon.
Molecular consequence: nonsense.
Genome position (GRCh38, 1-based): chr1:202,729,782, A>C on the plus strand (T>G on the coding strand, the complement: KDM5B is on the minus strand). VCF-style: chr1-202729782-A-C. GRCh37 (hg19) VCF-style: chr1-202698910-A-C.
Other names: c.4530T>G, p.Tyr1510Ter (NM_001314042.2); c.4287T>G, p.Tyr1429Ter (NM_001347591.2); c.4407T>G, p.Tyr1469Ter (NM_001399817.1); short protein forms Y1429*, Y1469*, Y1474*, Y1510*.
Identifiers: ClinVar variation 4813831 (VCV004813831.1).